The following is an entry in ClinVar:

ClinVar aggregate classification (germline): Uncertain significance (1 of 4 stars; one submission).

Conditions:
Gastrointestinal stromal tumor. Also called: Gastrointestinal stromal tumor, somatic; Gastrointestinal stroma tumor. Identifiers: Orphanet 44890, MedGen C0238198, MeSH D046152, MONDO:0011719, OMIM 606764, HP:0100723.

gnomAD v4.1: 1 of 1,614,090 alleles (0.000062%); highest among the groups gnomAD compares: Non-Finnish European, 0.000085%; no homozygotes.

Submission:

Labcorp Genetics (formerly Invitae), Labcorp
Classification: Uncertain significance for Gastrointestinal stromal tumor. Last evaluated: 2024-03-12. Review status: criteria provided, single submitter. Criteria: Invitae Variant Classification Sherloc (09022015). Collection method: clinical testing. Allele origin: germline.
Comment: This sequence change replaces proline, which is neutral and non-polar, with leucine, which is neutral and non-polar, at codon 869 of the KIT protein (p.Pro869Leu). This variant is not present in population databases (gnomAD no frequency). This variant has not been reported in the literature in individuals affected with KIT-related conditions. An algorithm developed to predict the effect of missense changes on protein structure and function (PolyPhen-2) suggests that this variant is likely to be disruptive. In summary, the available evidence is currently insufficient to determine the role of this variant in disease. Therefore, it has been classified as a Variant of Uncertain Significance.

NM_000222.3(KIT):c.2606C>T (p.Pro869Leu)

Gene: KIT (KIT proto-oncogene, receptor tyrosine kinase; plus strand). Cytogenetic location: 4q12.
Variant type: single nucleotide variant.
Coding change: c.2606C>T on transcript NM_000222.3 (MANE Select); coding-DNA position 2606, C replaced by T.
Protein change: p.Pro869Leu; replaces proline 869 with leucine.
Molecular consequence: missense variant.
Genome position (GRCh38, 1-based): chr4:54,736,730, C>T. VCF-style: chr4-54736730-C-T. GRCh37 (hg19) VCF-style: chr4-55602896-C-T.
Other names: c.2594C>T, p.Pro865Leu (NM_001093772.2, NM_001385292.1); c.2609C>T, p.Pro870Leu (NM_001385284.1); c.2603C>T, p.Pro868Leu (NM_001385285.1); c.2591C>T, p.Pro864Leu (NM_001385286.1); c.2597C>T, p.Pro866Leu (NM_001385288.1); c.2606C>T, p.Pro869Leu (NM_001385290.1); short protein forms P865L, P868L, P866L, P869L, P870L, P864L.
Identifiers: ClinVar variation 3666579 (VCV003666579.2).
Genomic context (GRCh38, chr4:54,736,730, plus strand): 5'-TTGGTGTCCTGCTTCCTTGTGATTAACACTGCTTTGCAAACTGTGTCTCAGGAAGCAGCC[C>T]CTATCCTGGAATGCCGGTCGATTCTAAGTTCTACAAGATGATCAAGGAAGGCTTCCGGAT-3'
Protein context (NP_000213.1, residues 859-879): LWELFSLGSS[Pro869Leu]YPGMPVDSKF